The following is an entry in ClinVar:

NM_015354.3(NUP188):c.2509del (p.Leu837fs)

Gene: NUP188 (nucleoporin 188; plus strand). Cytogenetic location: 9q34.11.
Variant type: Deletion.
Coding change: c.2509del on transcript NM_015354.3 (MANE Select); coding-DNA position 2509, one base deleted (C; older notation c.2509delC).
Protein change: p.Leu837fs; shifts the reading frame from leucine 837.
Molecular consequence: frameshift variant.
Genome position (GRCh38, 1-based): chr9:128,988,162, C deleted; the last of 6 consecutive C bases (chr9:128,988,157-128,988,162); deleting any one gives the same sequence. VCF-style (leftmost placement, unchanged base first): chr9-128988156-TC-T. GRCh37 (hg19) VCF-style: chr9-131750435-TC-T.
Other names: short protein forms L837fs.
Identifiers: ClinVar variation 4852636 (VCV004852636.2).

ClinVar aggregate classification (germline): Likely pathogenic (1 of 4 stars; one submission).

Submission:

Dasa
Classification: Likely pathogenic. Last evaluated: 2025-06-07. Review status: criteria provided, single submitter. Criteria: DASA Assertion Criteria. Collection method: clinical testing. Allele origin: germline.
Comment: NM_015354.3(NUP188):c.2509del (p.Leu837Trpfs*19) is a frameshift variant in NUP188 predicted to alter the reading frame and introduce a premature termination codon and is predicted to result in an absent or altered protein product. Loss of function is an established disease mechanism for NUP188-associated disorders. Also, this variant is absent from population databases. Based on the currently available evidence, this variant is classified as likely pathogenic.